The following is an entry in ClinVar:

ClinVar aggregate classification (germline): Uncertain significance. Review status: criteria provided, multiple submitters, no conflicts (2 of 4 stars). 2 submissions from 2 submitters: Uncertain significance (2). Last evaluated 2024-01-02.

Conditions:
Muscular dystrophy-dystroglycanopathy (congenital with impaired intellectual development), type B, 2. Also called: Muscular dystrophy-dystroglycanopathy (congenital with intellectual disability), type B2; MUSCULAR DYSTROPHY, CONGENITAL, POMT2-RELATED. Identifiers: MedGen C3150416, MONDO:0013160, OMIM 613156.
Autosomal recessive limb-girdle muscular dystrophy type 2N. Also called: MUSCULAR DYSTROPHY-DYSTROGLYCANOPATHY, LIMB-GIRDLE, POMT2-RELATED; Muscular dystrophy-dystroglycanopathy (limb-girdle), type C, 2. Identifiers: Orphanet 206559, MedGen C3150418, MONDO:0013162, OMIM 613158.
Muscular dystrophy-dystroglycanopathy (congenital with brain and eye anomalies), type A2. Also called: MUSCULAR DYSTROPHY-DYSTROGLYCANOPATHY (CONGENITAL WITH BRAIN AND EYE ANOMALIES), TYPE A, 2; WALKER-WARBURG SYNDROME OR MUSCLE-EYE-BRAIN DISEASE, POMT2-RELATED. Identifiers: Orphanet 588, Orphanet 899, MedGen C3150411, MONDO:0013154, OMIM 613150.
Inborn genetic diseases. Identifiers: MedGen C0950123, MeSH D030342.

Allele frequency attached by ClinVar (database versions not stated): gnomAD exomes below 0.00001.
gnomAD v4.1: 5 of 1,546,212 alleles (0.00032%); highest among the groups gnomAD compares: South Asian, 0.0047%; no homozygotes.

Submissions (2):

Labcorp Genetics (formerly Invitae), Labcorp
Classification: Uncertain significance for Muscular dystrophy-dystroglycanopathy (congenital with impaired intellectual development), type B, 2; Muscular dystrophy-dystroglycanopathy (congenital with brain and eye anomalies), type A2; Autosomal recessive limb-girdle muscular dystrophy type 2N. Last evaluated: 2024-01-02. Review status: criteria provided, single submitter. Criteria: Invitae Variant Classification Sherloc (09022015). Collection method: clinical testing. Allele origin: germline.
Comment: This sequence change replaces valine, which is neutral and non-polar, with leucine, which is neutral and non-polar, at codon 64 of the POMT2 protein (p.Val64Leu). The frequency data for this variant in the population databases is considered unreliable, as metrics indicate poor data quality at this position in the gnomAD database. This variant has not been reported in the literature in individuals affected with POMT2-related conditions. ClinVar contains an entry for this variant (Variation ID: 2309368). Advanced modeling of protein sequence and biophysical properties (such as structural, functional, and spatial information, amino acid conservation, physicochemical variation, residue mobility, and thermodynamic stability) performed at Invitae indicates that this missense variant is not expected to disrupt POMT2 protein function with a negative predictive value of 95%. In summary, the available evidence is currently insufficient to determine the role of this variant in disease. Therefore, it has been classified as a Variant of Uncertain Significance.

Ambry Genetics
Classification: Uncertain significance for Inborn genetic diseases. Last evaluated: 2022-08-30. Review status: criteria provided, single submitter. Criteria: Ambry Variant Classification Scheme 2023. Collection method: clinical testing. Allele origin: germline.

NM_013382.7(POMT2):c.190G>T (p.Val64Leu)

Gene: POMT2 (protein O-mannosyltransferase 2; minus strand). Cytogenetic location: 14q24.3.
Variant type: single nucleotide variant.
Coding change: c.190G>T on transcript NM_013382.7 (MANE Select); coding-DNA position 190, G replaced by T.
Protein change: p.Val64Leu; replaces valine 64 with leucine.
Molecular consequence: missense variant.
Genome position (GRCh38, 1-based): chr14:77,320,492, C>A on the plus strand (G>T on the coding strand, the complement: POMT2 is on the minus strand). VCF-style: chr14-77320492-C-A. GRCh37 (hg19) VCF-style: chr14-77786835-C-A.
Other names: short protein forms V64L.
Identifiers: ClinVar variation 2309368 (VCV002309368.5), dbSNP rs1490009112, ClinGen allele CA390504448.